The following is an entry in ClinVar:

NM_004311.4(ARL3):c.367A>G (p.Ile123Val)

Gene: ARL3 (ARF like GTPase 3; minus strand). Cytogenetic location: 10q24.32.
Variant type: single nucleotide variant.
Coding change: c.367A>G on transcript NM_004311.4 (MANE Select); coding-DNA position 367, A replaced by G.
Protein change: p.Ile123Val; replaces isoleucine 123 with valine.
Molecular consequence: missense variant.
Genome position (GRCh38, 1-based): chr10:102,685,950, T>C on the plus strand (A>G on the coding strand, the complement: ARL3 is on the minus strand). VCF-style: chr10-102685950-T-C. GRCh37 (hg19) VCF-style: chr10-104445707-T-C.
Other names: short protein forms I123V.
Identifiers: ClinVar variation 1983052 (VCV001983052.6), dbSNP rs752095202, ClinGen allele CA5668441.

ClinVar aggregate classification (germline): Uncertain significance. Review status: criteria provided, multiple submitters, no conflicts (2 of 4 stars). 3 submissions from 3 submitters: Uncertain significance (3). Last evaluated 2024-10-08.

Conditions:
Inborn genetic diseases. Identifiers: MedGen C0950123, MeSH D030342.

Allele frequency attached by ClinVar (database versions not stated): ExAC 0.00001; gnomAD 0.00001; TOPMed 0.00001; gnomAD exomes 0.00003.
gnomAD v4.1: 49 of 1,614,058 alleles (0.003%); highest among the groups gnomAD compares: Non-Finnish European, 0.004%; no homozygotes.

Submissions (3):

Blueprint Genetics
Classification: Uncertain significance. Last evaluated: 2024-10-08. Review status: criteria provided, single submitter. Criteria: ACMG Guidelines, 2015. Collection method: clinical testing. Allele origin: germline.

Labcorp Genetics (formerly Invitae), Labcorp
Classification: Uncertain significance. Last evaluated: 2022-08-25. Review status: criteria provided, single submitter. Criteria: Invitae Variant Classification Sherloc (09022015). Collection method: clinical testing. Allele origin: germline.
Comment: This variant is present in population databases (rs752095202, gnomAD 0.002%). This sequence change replaces isoleucine, which is neutral and non-polar, with valine, which is neutral and non-polar, at codon 123 of the ARL3 protein (p.Ile123Val). In summary, the available evidence is currently insufficient to determine the role of this variant in disease. Therefore, it has been classified as a Variant of Uncertain Significance. Algorithms developed to predict the effect of missense changes on protein structure and function output the following: SIFT: "Tolerated"; PolyPhen-2: "Benign"; Align-GVGD: "Class C0". The valine amino acid residue is found in multiple mammalian species, which suggests that this missense change does not adversely affect protein function. This variant has not been reported in the literature in individuals affected with ARL3-related conditions.

Ambry Genetics
Classification: Uncertain significance for Inborn genetic diseases. Last evaluated: 2022-04-14. Review status: criteria provided, single submitter. Criteria: Ambry Variant Classification Scheme 2023. Collection method: clinical testing. Allele origin: germline.